The following is an entry in ClinVar:

ClinVar aggregate classification (germline): Uncertain significance. Review status: criteria provided, multiple submitters, no conflicts (2 of 4 stars). 2 submissions from 2 submitters: Uncertain significance (2). Last evaluated 2022-10-18.

Conditions:
Alpha-methylacyl-CoA racemase deficiency (AMACRD). Also called: AMACR deficiency. Identifiers: Orphanet 79095, MedGen C3280428, MONDO:0013681, OMIM 614307. Disease mechanism: loss of function.

Allele frequency attached by ClinVar (database versions not stated): gnomAD exomes 0.00001 and 0.00002; ExAC 0.00002; gnomAD 0.00006; TOPMed 0.00006; ESP Exome Variant Server 0.00023; 1000 Genomes Project 30x 0.00031; 1000 Genomes Project 0.00040.

Submissions (2):

Labcorp Genetics (formerly Invitae), Labcorp
Classification: Uncertain significance for Alpha-methylacyl-CoA racemase deficiency. Last evaluated: 2022-10-18. Review status: criteria provided, single submitter. Criteria: Invitae Variant Classification Sherloc (09022015). Collection method: clinical testing. Allele origin: germline.
Comment: This sequence change replaces aspartic acid, which is acidic and polar, with glycine, which is neutral and non-polar, at codon 262 of the AMACR protein (p.Asp262Gly). This variant is present in population databases (rs141025802, gnomAD 0.03%). This variant has not been reported in the literature in individuals affected with AMACR-related conditions. ClinVar contains an entry for this variant (Variation ID: 596896). Advanced modeling of protein sequence and biophysical properties (such as structural, functional, and spatial information, amino acid conservation, physicochemical variation, residue mobility, and thermodynamic stability) performed at Invitae indicates that this missense variant is not expected to disrupt AMACR protein function. In summary, the available evidence is currently insufficient to determine the role of this variant in disease. Therefore, it has been classified as a Variant of Uncertain Significance.

Eurofins Ntd Llc (ga)
Classification: Uncertain significance. Last evaluated: 2018-04-19. Review status: criteria provided, single submitter. Criteria: EGL ClinVar v180209 classification definitions. Collection method: clinical testing. Allele origin: germline. Observed: 1 variant allele, 1 heterozygote.

NM_014324.6(AMACR):c.785A>G (p.Asp262Gly)

Genes: C1QTNF3-AMACR (C1QTNF3-AMACR readthrough (NMD candidate); minus strand), AMACR (alpha-methylacyl-CoA racemase; minus strand). Cytogenetic location: 5p13.2.
Variant type: single nucleotide variant.
Coding change: c.785A>G on transcript NM_014324.6 (MANE Select); coding-DNA position 785, A replaced by G.
Protein change: p.Asp262Gly; replaces aspartic acid 262 with glycine.
Molecular consequence: missense variant. On other transcripts: non-coding transcript variant (1), 3 prime UTR variant (1).
Genome position (GRCh38, 1-based): chr5:33,989,457, T>C on the plus strand (A>G on the coding strand, the complement: AMACR is on the minus strand). VCF-style: chr5-33989457-T-C. GRCh37 (hg19) VCF-style: chr5-33989562-T-C.
Other names: c.785A>G, p.Asp262Gly (NM_001167595.2); c.*27A>G (NM_203382.3); short protein forms D262G.
Identifiers: ClinVar variation 596896 (VCV000596896.6), dbSNP rs141025802, ClinGen allele CA3226025.